The following is an entry in ClinVar:

NM_018122.5(DARS2):c.1220A>G (p.Asn407Ser)

Gene: DARS2 (aspartyl-tRNA synthetase 2, mitochondrial; plus strand). Cytogenetic location: 1q25.1.
Variant type: single nucleotide variant.
Coding change: c.1220A>G on transcript NM_018122.5 (MANE Select); coding-DNA position 1220, A replaced by G.
Protein change: p.Asn407Ser; replaces asparagine 407 with serine.
Molecular consequence: missense variant. On other transcripts: intron variant (1).
Genome position (GRCh38, 1-based): chr1:173,850,355, A>G. VCF-style: chr1-173850355-A-G. GRCh37 (hg19) VCF-style: chr1-173819493-A-G.
Other names: c.1220A>G, p.Asn407Ser (NM_001365213.2); c.1192-2994A>G (NM_001365212.1); short protein forms N407S.
Identifiers: ClinVar variation 1401669 (VCV001401669.5), dbSNP rs752120872, ClinGen allele CA1250371.

ClinVar aggregate classification (germline): Uncertain significance (1 of 4 stars; one submission).

Allele frequency attached by ClinVar (database versions not stated): ExAC 0.00001; gnomAD 0.00001; gnomAD exomes 0.00001 and 0.00002; TOPMed 0.00001.
gnomAD v4.1: 18 of 1,613,424 alleles (0.0011%); highest among the groups gnomAD compares: South Asian, 0.0033%; no homozygotes.

Submission:

Labcorp Genetics (formerly Invitae), Labcorp
Classification: Uncertain significance. Last evaluated: 2024-10-15. Review status: criteria provided, single submitter. Criteria: Invitae Variant Classification Sherloc (09022015). Collection method: clinical testing. Allele origin: germline.
Comment: This sequence change replaces asparagine, which is neutral and polar, with serine, which is neutral and polar, at codon 407 of the DARS2 protein (p.Asn407Ser). This variant is present in population databases (rs752120872, gnomAD 0.01%). This variant has not been reported in the literature in individuals affected with DARS2-related conditions. ClinVar contains an entry for this variant (Variation ID: 1401669). Invitae Evidence Modeling of protein sequence and biophysical properties (such as structural, functional, and spatial information, amino acid conservation, physicochemical variation, residue mobility, and thermodynamic stability) indicates that this missense variant is expected to disrupt DARS2 protein function with a positive predictive value of 80%. In summary, the available evidence is currently insufficient to determine the role of this variant in disease. Therefore, it has been classified as a Variant of Uncertain Significance.